The following is an entry in ClinVar:

NM_004304.5(ALK):c.3424C>T (p.Pro1142Ser)

Gene: ALK (ALK receptor tyrosine kinase; minus strand). Cytogenetic location: 2p23.2.
Variant type: single nucleotide variant.
Coding change: c.3424C>T on transcript NM_004304.5 (MANE Select); coding-DNA position 3424, C replaced by T.
Protein change: p.Pro1142Ser; replaces proline 1142 with serine.
Molecular consequence: missense variant.
Genome position (GRCh38, 1-based): chr2:29,222,543, G>A on the plus strand (C>T on the coding strand, the complement: ALK is on the minus strand). VCF-style: chr2-29222543-G-A. GRCh37 (hg19) VCF-style: chr2-29445409-G-A.
Other names: c.220C>T, p.Pro74Ser (NM_001353765.2); short protein forms P74S, P1142S.
Identifiers: ClinVar variation 3285748 (VCV003285748.1).

ClinVar aggregate classification (germline): Uncertain significance (1 of 4 stars; one submission).

Conditions:
Hereditary cancer-predisposing syndrome. Also called: Tumor predisposition; Hereditary Cancer Syndrome; Hereditary neoplastic syndrome; Neoplastic Syndromes, Hereditary. Identifiers: Orphanet 140162, MedGen C0027672, MeSH D009386, MONDO:0015356.

Submission:

Ambry Genetics
Classification: Uncertain significance for Hereditary cancer-predisposing syndrome. Last evaluated: 2024-03-27. Review status: criteria provided, single submitter. Criteria: Ambry Variant Classification Scheme 2023. Collection method: clinical testing. Allele origin: germline.
Comment: The p.P1142S variant (also known as c.3424C>T), located in coding exon 21 of the ALK gene, results from a C to T substitution at nucleotide position 3424. The proline at codon 1142 is replaced by serine, an amino acid with similar properties. This amino acid position is conserved. In addition, the in silico prediction for this alteration is inconclusive. Based on the available evidence, the clinical significance of this alteration remains unclear.